The following is an entry in ClinVar:

NM_032977.4(CASP10):c.1120A>C (p.Ile374Leu)

Gene: CASP10 (caspase 10; plus strand). Cytogenetic location: 2q33.1.
Variant type: single nucleotide variant.
Coding change: c.1120A>C on transcript NM_032977.4 (MANE Select); coding-DNA position 1120, A replaced by C.
Protein change: p.Ile374Leu; replaces isoleucine 374 with leucine.
Molecular consequence: missense variant. On other transcripts: 3 prime UTR variant (1).
Genome position (GRCh38, 1-based): chr2:201,209,267, A>C. VCF-style: chr2-201209267-A-C. GRCh37 (hg19) VCF-style: chr2-202073990-A-C.
Other names: c.919A>C, p.Ile307Leu (NM_001206524.2); c.991A>C, p.Ile331Leu (NM_001206542.2, NM_001230.5); c.1120A>C, p.Ile374Leu (NM_032974.5); c.*206A>C (NM_032976.4); short protein forms I374L, I331L, I307L.
Identifiers: ClinVar variation 4783258 (VCV004783258.1).
Genomic context (GRCh38, chr2:201,209,267, plus strand): 5'-TGTATTCTGACCCATGGGAGATTTGGAGCTGTCTACTCTTCGGATGAGGCCCTCATTCCC[A>C]TTCGGGAGATCATGTCTCACTTCACAGCCCTGCAGTGCCCTAGACTGGCTGAAAAACCTA-3'
Protein context (NP_116759.2, residues 364-384): VYSSDEALIP[Ile374Leu]REIMSHFTAL

ClinVar aggregate classification (germline): Uncertain significance (1 of 4 stars; one submission).

Conditions:
Autoimmune lymphoproliferative syndrome type 2A (ALPS2A). Also called: CASP10-Related Autoimmune Lymphoproliferative Syndrome; AUTOIMMUNE LYMPHOPROLIFERATIVE SYNDROME, TYPE IIA; Autoimmune lymphoproliferative syndrome type 2. Identifiers: Orphanet 3261, MedGen C1858968, MONDO:0011383, OMIM 603909.

Submission:

Labcorp Genetics (formerly Invitae), Labcorp
Classification: Uncertain significance for Autoimmune lymphoproliferative syndrome type 2A. Last evaluated: 2026-01-24. Review status: criteria provided, single submitter. Criteria: Invitae Variant Classification Sherloc (09022015). Collection method: clinical testing. Allele origin: germline.
Comment: This sequence change replaces isoleucine, which is neutral and non-polar, with leucine, which is neutral and non-polar, at codon 374 of the CASP10 protein (p.Ile374Leu). This variant is not present in population databases (gnomAD no frequency). This variant has not been reported in the literature in individuals affected with CASP10-related conditions. Invitae Evidence Modeling of protein sequence and biophysical properties (such as structural, functional, and spatial information, amino acid conservation, physicochemical variation, residue mobility, and thermodynamic stability) indicates that this missense variant is not expected to disrupt CASP10 protein function with a negative predictive value of 80%. In summary, the available evidence is currently insufficient to determine the role of this variant in disease. Therefore, it has been classified as a Variant of Uncertain Significance.